The following is an entry in ClinVar:

ClinVar aggregate classification (germline): Pathogenic (1 of 4 stars; one submission).

Submission:

ISCA Site 6
Classification: Pathogenic. Last evaluated: 2011-08-12. Review status: criteria provided, single submitter. Criteria: Kaminsky et al. (Genet Med. 2011). Collection method: clinical testing. Allele origin: de novo. Affected: yes. Observed: 1 variant allele.
Comment: Copy number variation identified through the course of routine clinical cytogenomic testing in postnatal populations. Clinical assertions have been curated as described in Kaminsky et al. 2011.

GRCh38/hg38 17p13.3(chr17:1287199-3154232)x3

Genes: CCDC92B (coiled-coil domain containing 92B; minus strand), CLUH (CLUH binding protein of NUMT mRNA; minus strand), CRK (CRK proto-oncogene, adaptor protein; minus strand), CRK-AS1 (CRK antisense RNA 1; plus strand), DPH1 (diphthamide biosynthesis 1; plus strand) and 163 more. Cytogenetic location: 17p13.3.
Variant type: copy number gain.
Change: copy number 3 (three copies instead of two) of chr17:1,287,199-3,154,232 (1.87 Mb, GRCh38 coordinates, 1-based), cytogenetic band 17p13.3.
Identifiers: ClinVar variation 58671 (VCV000058671.2).